The following is an entry in ClinVar:

ClinVar aggregate classification (germline): Likely benign. Review status: criteria provided, multiple submitters, no conflicts (2 of 4 stars). 2 submissions from 2 submitters: Likely benign (2). Last evaluated 2024-05-09.

Allele frequency attached by ClinVar (database versions not stated): gnomAD exomes 0.00001; TOPMed 0.00001; gnomAD 0.00003; ExAC 0.00004.
gnomAD v4.1: 29 of 1,613,910 alleles (0.0018%); highest among the groups gnomAD compares: South Asian, 0.0044%; no homozygotes.

Submissions (2):

Blueprint Genetics
Classification: Likely benign. Last evaluated: 2024-05-09. Review status: criteria provided, single submitter. Criteria: ACMG Guidelines, 2015. Collection method: clinical testing. Allele origin: germline.

CeGaT Center for Human Genetics Tuebingen
Classification: Likely benign. Last evaluated: 2022-03-01. Review status: criteria provided, single submitter. Criteria: CeGaT Center For Human Genetics Tuebingen Variant Classification Criteria Version 2. Collection method: clinical testing. Allele origin: germline. Affected: yes. Observed: 1 variant allele.
Comment: NLRP1: BP4, BP7

NM_033004.4(NLRP1):c.2115G>A (p.Pro705=)

Gene: NLRP1 (NLR family pyrin domain containing 1; minus strand). Cytogenetic location: 17p13.2.
Variant type: single nucleotide variant.
Coding change: c.2115G>A on transcript NM_033004.4 (MANE Select); coding-DNA position 2115, G replaced by A.
Protein change: p.Pro705=; no amino-acid change (proline 705 retained).
Molecular consequence: synonymous variant.
Genome position (GRCh38, 1-based): chr17:5,558,581, C>T on the plus strand (G>A on the coding strand, the complement: NLRP1 is on the minus strand). VCF-style: chr17-5558581-C-T. GRCh37 (hg19) VCF-style: chr17-5461901-C-T.
Other names: c.2115G>A, p.Pro705= (NM_001033053.3, NM_014922.5, NM_033006.4 and 1 more transcripts).
Identifiers: ClinVar variation 2647301 (VCV002647301.25), dbSNP rs768403661, ClinGen allele CA8327255.
Genomic context (GRCh38, chr17:5,558,581, plus strand): 5'-AGTCTCGTACAAGCAGTGGAGGGACTCCAGAGAGTGTGGCTGCAGCAGCAGCTGCAGGGA[C>T]GGGACCCACTGCATCAGGTTCCTCCCCTGAGACAGCCGGCAGTGAAAGATGTTCTCCATC-3'
Protein context (NP_127497.1, residues 695-715): SQGRNLMQWV[Pro705=]SLQLLLQPHS